The following is an entry in ClinVar:

ClinVar aggregate classification (germline): Uncertain significance (1 of 4 stars; one submission).

Submission:

Labcorp Genetics (formerly Invitae), Labcorp
Classification: Uncertain significance. Last evaluated: 2025-02-27. Review status: criteria provided, single submitter. Criteria: Invitae Variant Classification Sherloc (09022015). Collection method: clinical testing. Allele origin: germline.
Comment: This sequence change creates a premature translational stop signal (p.Gln1881Aspfs*29) in the LCT gene. While this is not anticipated to result in nonsense mediated decay, it is expected to disrupt the last 47 amino acid(s) of the LCT protein. This variant is not present in population databases (gnomAD no frequency). This variant has not been reported in the literature in individuals affected with LCT-related conditions. Experimental studies and prediction algorithms are not available or were not evaluated, and the functional significance of this variant is currently unknown. In summary, the available evidence is currently insufficient to determine the role of this variant in disease. Therefore, it has been classified as a Variant of Uncertain Significance.

NM_002299.4(LCT):c.5641_5642del (p.Gln1881fs)

Gene: LCT (lactase; minus strand). Cytogenetic location: 2q21.3.
Variant type: Microsatellite.
Coding change: c.5641_5642del on transcript NM_002299.4 (MANE Select); coding-DNA positions 5641 to 5642, 2 bases deleted (CA; older notation c.5641_5642delCA).
Protein change: p.Gln1881fs; shifts the reading frame from glutamine 1881.
Molecular consequence: frameshift variant.
Genome position (GRCh38, 1-based): chr2:135,788,466-135,788,467, TG deleted on the plus strand (CA on the coding strand, the reverse complement: LCT is on the minus strand); deleting any 2 consecutive bases within chr2:135,788,466-135,788,469 gives the same sequence; the c. name uses the placement nearest the transcript's 3' end. VCF-style (leftmost placement, unchanged base first): chr2-135788465-CTG-C. GRCh37 (hg19) VCF-style: chr2-136546035-CTG-C.
Other names: short protein forms Q1881fs.
Identifiers: ClinVar variation 4781114 (VCV004781114.1).